The following is an entry in ClinVar:

ClinVar aggregate classification (germline): Uncertain significance (1 of 4 stars; one submission).

Conditions:
Inborn genetic diseases. Identifiers: MedGen C0950123, MeSH D030342.

Submission:

Ambry Genetics
Classification: Uncertain significance for Inborn genetic diseases. Last evaluated: 2022-05-04. Review status: criteria provided, single submitter. Criteria: Ambry Variant Classification Scheme 2023. Collection method: clinical testing. Allele origin: germline.
Comment: The p.D572E variant (also known as c.1716T>A), located in coding exon 14 of the BUB1B gene, results from a T to A substitution at nucleotide position 1716. The aspartic acid at codon 572 is replaced by glutamic acid, an amino acid with highly similar properties. This amino acid position is conserved. In addition, this alteration is predicted to be tolerated by in silico analysis. Since supporting evidence is limited at this time, the clinical significance of this alteration remains unclear.

NM_001211.6(BUB1B):c.1716T>A (p.Asp572Glu)

Gene: BUB1B (BUB1 mitotic checkpoint serine/threonine kinase B; plus strand). Cytogenetic location: 15q15.1.
Variant type: single nucleotide variant.
Coding change: c.1716T>A on transcript NM_001211.6 (MANE Select); coding-DNA position 1716, T replaced by A.
Protein change: p.Asp572Glu; replaces aspartic acid 572 with glutamic acid.
Molecular consequence: missense variant.
Genome position (GRCh38, 1-based): chr15:40,202,676, T>A. VCF-style: chr15-40202676-T-A. GRCh37 (hg19) VCF-style: chr15-40494877-T-A.
Other names: short protein forms D572E.
Identifiers: ClinVar variation 1778638 (VCV001778638.2), dbSNP rs2037588775, ClinGen allele CA391691712.
Genomic context (GRCh38, chr15:40,202,676, plus strand): 5'-AGCTCAACGAAGACCCCTTGCAGTTCTCAAAACCTCAGAAAGCATCACCTCAAATGAAGA[T>A]GTGTCTCCAGATGTTTGTGTAAGGAGCAGTATCCTTAAGTTAATGTAAATGGGCTAGTGG-3'
Protein context (NP_001202.5, residues 562-582): KTSESITSNE[Asp572Glu]VSPDVCDEFT